The following is an entry in ClinVar:

NM_006030.4(CACNA2D2):c.3286G>C (p.Ala1096Pro)

Genes: CACNA2D2 (calcium voltage-gated channel auxiliary subunit alpha2delta 2; minus strand), LOC127898564 (CYB561D2-LOC101928965; plus strand). Cytogenetic location: 3p21.31.
Variant type: single nucleotide variant.
Coding change: c.3286G>C on transcript NM_006030.4 (MANE Select); coding-DNA position 3286, G replaced by C.
Protein change: p.Ala1096Pro; replaces alanine 1096 with proline.
Molecular consequence: missense variant.
Genome position (GRCh38, 1-based): chr3:50,364,893, C>G on the plus strand (G>C on the coding strand, the complement: CACNA2D2 is on the minus strand). VCF-style: chr3-50364893-C-G. GRCh37 (hg19) VCF-style: chr3-50402324-C-G.
Other names: c.3292G>C, p.Ala1098Pro (NM_001005505.3); c.3307G>C, p.Ala1103Pro (NM_001174051.3); c.3085G>C, p.Ala1029Pro (NM_001291101.1); short protein forms A1098P, A1103P, A1029P, A1096P.
Identifiers: ClinVar variation 1478779 (VCV001478779.4), dbSNP rs587723974, ClinGen allele CA2418136.

ClinVar aggregate classification (germline): Uncertain significance (1 of 4 stars; one submission).

Conditions:
Developmental and epileptic encephalopathy. Identifiers: MedGen C5779964, MONDO:0100620.

gnomAD v4.1: 45 of 1,613,252 alleles (0.0028%); highest among the groups gnomAD compares: Non-Finnish European, 0.0038%; no homozygotes.

Submission:

Labcorp Genetics (formerly Invitae), Labcorp
Classification: Uncertain significance for Early-infantile DEE. Last evaluated: 2021-10-03. Review status: criteria provided, single submitter. Criteria: Invitae Variant Classification Sherloc (09022015). Collection method: clinical testing. Allele origin: germline.
Comment: This sequence change replaces alanine with proline at codon 1096 of the CACNA2D2 protein (p.Ala1096Pro). The alanine residue is moderately conserved and there is a small physicochemical difference between alanine and proline. This variant is present in population databases (rs587723974, ExAC 0.002%). This variant has not been reported in the literature in individuals affected with CACNA2D2-related conditions. Algorithms developed to predict the effect of missense changes on protein structure and function (SIFT, PolyPhen-2, Align-GVGD) all suggest that this variant is likely to be tolerated. In summary, the available evidence is currently insufficient to determine the role of this variant in disease. Therefore, it has been classified as a Variant of Uncertain Significance.